The following is an entry in ClinVar:

ClinVar aggregate classification (germline): Uncertain significance. Review status: criteria provided, multiple submitters, no conflicts (2 of 4 stars). 4 submissions from 4 submitters: Uncertain significance (4). Last evaluated 2026-08-20.

Conditions:
Microcephaly with or without chorioretinopathy, lymphedema, or impaired intellectual development. Also called: Microcephaly lymphedema chorioretinal dysplasia; Microcephaly with or without chorioretinopathy, lymphedema, or intellectual disability; Microcephaly with or without chorioretinopathy, lymphedema, or mental retardation; MICROCEPHALY AND CHORIORETINOPATHY WITH OR WITHOUT MENTAL RETARDATION, AUTOSOMAL DOMINANT; MICROCEPHALY, LYMPHEDEMA, CHORIORETINAL DYSPLASIA SYNDROME. Identifiers: Orphanet 2526, MedGen C1835265, MONDO:0007918, OMIM 152950.
KIF11-related disorder. Also called: KIF11-related condition.
Inborn genetic diseases. Identifiers: MedGen C0950123, MeSH D030342.

Allele frequency attached by ClinVar (database versions not stated): 1000 Genomes Project 30x 0.00016; gnomAD exomes 0.00001 and 0.00002; gnomAD 0.00003 and 0.00004; 1000 Genomes Project 0.00020; TOPMed 0.00014; ExAC 0.00001.
gnomAD v4.1: 13 of 1,613,014 alleles (0.00081%); highest among the groups gnomAD compares: Admixed American, 0.015%; no homozygotes.

Submissions (4):

PreventionGenetics, part of Exact Sciences
Classification: Uncertain significance for KIF11-related condition. Last evaluated: 2026-08-20. Review status: criteria provided, single submitter. Criteria: ACMG Guidelines, 2015. Collection method: clinical testing. Allele origin: germline.
Comment: The KIF11 c.2836C>T variant is predicted to result in the amino acid substitution p.His946Tyr. To our knowledge, this variant has not been reported in the literature. This variant is reported in 0.0056% of alleles in individuals of Latino descent in gnomAD. At this time, the clinical significance of this variant is uncertain due to the absence of conclusive functional and genetic evidence.

Ambry Genetics
Classification: Uncertain significance for Inborn genetic diseases. Last evaluated: 2023-12-09. Review status: criteria provided, single submitter. Criteria: Ambry Variant Classification Scheme 2023. Collection method: clinical testing. Allele origin: germline.

Labcorp Genetics (formerly Invitae), Labcorp
Classification: Uncertain significance. Last evaluated: 2023-10-14. Review status: criteria provided, single submitter. Criteria: Invitae Variant Classification Sherloc (09022015). Collection method: clinical testing. Allele origin: germline.
Comment: This sequence change replaces histidine, which is basic and polar, with tyrosine, which is neutral and polar, at codon 946 of the KIF11 protein (p.His946Tyr). This variant is present in population databases (rs201290831, gnomAD 0.006%). This variant has not been reported in the literature in individuals affected with KIF11-related conditions. ClinVar contains an entry for this variant (Variation ID: 863450). Advanced modeling of protein sequence and biophysical properties (such as structural, functional, and spatial information, amino acid conservation, physicochemical variation, residue mobility, and thermodynamic stability) performed at Invitae indicates that this missense variant is not expected to disrupt KIF11 protein function. In summary, the available evidence is currently insufficient to determine the role of this variant in disease. Therefore, it has been classified as a Variant of Uncertain Significance.

Women's Health and Genetics/Laboratory Corporation of America, LabCorp
Classification: Uncertain significance. Last evaluated: 2023-09-29. Review status: criteria provided, single submitter. Criteria: LabCorp Variant Classification Summary - May 2015. Collection method: clinical testing. Allele origin: germline.
Comment: Variant summary: KIF11 c.2836C>T (p.His946Tyr) results in a conservative amino acid change located in the Kinesin-associated microtubule-binding domain (IPR025901) of the encoded protein sequence. Five of five in-silico tools predict a benign effect of the variant on protein function. The variant allele was found at a frequency of 1.6e-05 in 251430 control chromosomes. The available data on variant occurrences in the general population are insufficient to allow any conclusion about variant significance. To our knowledge, no occurrence of c.2836C>T in individuals affected with Microcephaly With Or Without Chorioretinopathy, Lymphedema, Or Intellectual Disability and no experimental evidence demonstrating its impact on protein function have been reported. One submitter has cited clinical-significance assessments for this variant to ClinVar after 2014 and has classified the variant as uncertain significance. Based on the evidence outlined above, the variant was classified as uncertain significance.

NM_004523.4(KIF11):c.2836C>T (p.His946Tyr)

Gene: KIF11 (kinesin family member 11; plus strand). Cytogenetic location: 10q23.33.
Variant type: single nucleotide variant.
Coding change: c.2836C>T on transcript NM_004523.4 (MANE Select); coding-DNA position 2836, C replaced by T.
Protein change: p.His946Tyr; replaces histidine 946 with tyrosine.
Molecular consequence: missense variant.
Genome position (GRCh38, 1-based): chr10:92,649,900, C>T. VCF-style: chr10-92649900-C-T. GRCh37 (hg19) VCF-style: chr10-94409657-C-T.
Other names: short protein forms H946Y.
Identifiers: ClinVar variation 863450 (VCV000863450.12), dbSNP rs201290831, ClinGen allele CA5604477.
Genomic context (GRCh38, chr10:92,649,900, plus strand): 5'-ACACCACAGAGGAAAAGTTATTTATACCCATCAACACTGGTAAGAACTGAACCACGTGAA[C>T]ATCTCCTTGATCAGCTGAAAAGGAAACAGCCTGAGCTGTTAATGATGCTAAACTGTTCAG-3'
Protein context (NP_004514.2, residues 936-956): STLVRTEPRE[His946Tyr]LLDQLKRKQP